The following is an entry in ClinVar:

NM_006269.2(RP1):c.289G>T (p.Glu97Ter)

Gene: RP1 (RP1 axonemal microtubule associated; plus strand). Cytogenetic location: 8q12.1.
Variant type: single nucleotide variant.
Coding change: c.289G>T on transcript NM_006269.2 (MANE Select); coding-DNA position 289, G replaced by T.
Protein change: p.Glu97Ter; replaces glutamic acid 97 with a stop codon.
Molecular consequence: nonsense.
Genome position (GRCh38, 1-based): chr8:54,621,255, G>T. VCF-style: chr8-54621255-G-T. GRCh37 (hg19) VCF-style: chr8-55533815-G-T.
Other names: p.Glu97*; c.289G>T, p.Glu97Ter (NM_001375654.1); short protein forms E97*.
Identifiers: ClinVar variation 5042634 (VCV005042634.1).

ClinVar aggregate classification (germline): Likely pathogenic (1 of 4 stars; one submission).

Conditions:
RP1-related recessive retinopathy. Identifiers: MedGen CN322605, MONDO:0800399.

Submission:

Department of Ophthalmology, Seoul National University Bundang Hospital
Classification: Likely pathogenic for RP1-related recessive retinopathy. Last evaluated: 2026-10-19. Review status: criteria provided, single submitter. Criteria: ACMG Guidelines, 2015. Collection method: clinical testing. Allele origin: germline. Inheritance: Autosomal recessive inheritance. Affected: yes.
Comment: Nonsense variant in exon 2. Identified in a Korean multicenter RP1 cohort (PMID:42847597) with recessive retinitis pigmentosa. ACMG/AMP criteria: PVS1, PM2.

Literature cited by the submitters: PubMed 42847597.